The following is an entry in ClinVar:

ClinVar aggregate classification (germline): Conflicting classifications of pathogenicity. Review status: criteria provided, conflicting classifications (1 of 4 stars). 6 submissions from 6 submitters: Uncertain significance (4); Likely benign (1). 1 of the submissions does not count toward it. Last evaluated 2026-02-18.

Conditions:
Alanine glyoxylate aminotransferase deficiency. Identifiers: MedGen CN305373, MONDO:0100278.
AGXT-related disorder. Also called: AGXT-related condition.
Primary hyperoxaluria, type I (HP1). Also called: GLYCOLIC ACIDURIA; HEPATIC AGT DEFICIENCY; OXALOSIS I; Primary hyperoxaluria type 1. Identifiers: Orphanet 416, Orphanet 93598, MedGen C0268164, MONDO:0009823, OMIM 259900. Disease mechanism: loss of function.

Allele frequency attached by ClinVar (database versions not stated): gnomAD 0.00046 and 0.00051; ESP Exome Variant Server 0.00046; gnomAD exomes 0.00048; 1000 Genomes Project 30x 0.00016; 1000 Genomes Project 0.00020; TOPMed 0.00047; ExAC 0.00094.

Submissions (6):

PreventionGenetics, part of Exact Sciences
Classification: Uncertain significance for AGXT-related condition. Last evaluated: 2026-02-18. Review status: criteria provided, single submitter. Criteria: ACMG Guidelines, 2015. Collection method: clinical testing. Allele origin: germline.
Comment: The AGXT c.1142G>A variant is predicted to result in the amino acid substitution p.Arg381Lys. This variant has been reported with a second AGXT variant in an individual with primary hyperoxaluria (Bastarache et al 2018. PubMed ID: 29590070). This variant has also been reported as a paternally inherited finding in a another patient with hyperoxaluria; however, it is not clear if another AGXT variant on the other allele was identified (Guevara-Campos et al. 2008. PubMed ID: 19245173). This variant is reported in 0.073% of alleles in individuals of European (non-Finnish) descent in gnomAD. At this time, the clinical significance of this variant is uncertain due to the absence of conclusive functional and genetic evidence.

GeneDx
Classification: Uncertain significance. Last evaluated: 2026-02-02. Review status: criteria provided, single submitter. Criteria: GeneDx Variant Classification Process June 2021. Collection method: clinical testing. Allele origin: germline. Affected: yes.
Comment: Reported as heterozygous (along with benign variants) in an infant with neonatal convulsions and elevated urinary oxalic acid who responded to pyridoxine (PMID: 19245173); In silico analysis suggests that this missense variant does not alter protein structure/function; This variant is associated with the following publications: (PMID: 29590070, 19245173)

Labcorp Genetics (formerly Invitae), Labcorp
Classification: Likely benign. Last evaluated: 2026-01-22. Review status: criteria provided, single submitter. Criteria: Invitae Variant Classification Sherloc (09022015). Collection method: clinical testing. Allele origin: germline.

Department of Pathology and Laboratory Medicine, Sinai Health System
Classification: Uncertain significance for alanine glyoxylate aminotransferase deficiency. Last evaluated: 2022-06-21. Review status: criteria provided, single submitter. Criteria: ACMG Guidelines, 2015. Collection method: research. Allele origin: germline.

Illumina Laboratory Services, Illumina
Classification: Uncertain significance for Primary hyperoxaluria, type I. Last evaluated: 2017-04-27. Review status: criteria provided, single submitter. Criteria: ICSL Variant Classification Criteria 13 December 2019. Collection method: clinical testing. Allele origin: germline.

Clinical Biochemistry Laboratory, Health Services Laboratory
Classification: Uncertain significance for Primary hyperoxaluria, type I. Last evaluated: 2014-11-27. Review status: no assertion criteria provided. Collection method: research. Allele origin: germline. Affected: yes. Not counted in ClinVar's aggregate classification.

NM_000030.3(AGXT):c.1142G>A (p.Arg381Lys)

Gene: AGXT (alanine--glyoxylate aminotransferase; plus strand). Cytogenetic location: 2q37.3.
Variant type: single nucleotide variant.
Coding change: c.1142G>A on transcript NM_000030.3 (MANE Select); coding-DNA position 1142, G replaced by A.
Protein change: p.Arg381Lys; replaces arginine 381 with lysine.
Molecular consequence: missense variant.
Genome position (GRCh38, 1-based): chr2:240,878,784, G>A. VCF-style: chr2-240878784-G-A. GRCh37 (hg19) VCF-style: chr2-241818201-G-A.
Other names: short protein forms R381K.
Identifiers: ClinVar variation 204060 (VCV000204060.19), dbSNP rs151185188, ClinGen allele CA275605.